The following is an entry in ClinVar:

NM_198586.3(NHLRC1):c.218G>A (p.Arg73Gln)

Gene: NHLRC1 (NHL repeat containing E3 ubiquitin protein ligase 1; minus strand). Cytogenetic location: 6p22.3.
Variant type: single nucleotide variant.
Coding change: c.218G>A on transcript NM_198586.3 (MANE Select); coding-DNA position 218, G replaced by A.
Protein change: p.Arg73Gln; replaces arginine 73 with glutamine.
Molecular consequence: missense variant.
Genome position (GRCh38, 1-based): chr6:18,122,389, C>T on the plus strand (G>A on the coding strand, the complement: NHLRC1 is on the minus strand). VCF-style: chr6-18122389-C-T. GRCh37 (hg19) VCF-style: chr6-18122620-C-T.
Other names: short protein forms R73Q.
Identifiers: ClinVar variation 585850 (VCV000585850.11), dbSNP rs1280991443, ClinGen allele CA362829276.

ClinVar aggregate classification (germline): Uncertain significance. Review status: criteria provided, multiple submitters, no conflicts (2 of 4 stars). 3 submissions from 3 submitters: Uncertain significance (3). Last evaluated 2022-07-31.

Conditions:
Inborn genetic diseases. Identifiers: MedGen C0950123, MeSH D030342.
Lafora disease. Also called: Epilepsy progressive myoclonic 2; Progressive Myoclonus Epilepsy, Lafora Type. Identifiers: Orphanet 501, MedGen C0751783, MONDO:0009697.

Allele frequency attached by ClinVar (database versions not stated): TOPMed below 0.00001; gnomAD exomes 0.00001.

Submissions (3):

Ambry Genetics
Classification: Uncertain significance for Inborn genetic diseases. Last evaluated: 2022-07-31. Review status: criteria provided, single submitter. Criteria: Ambry Variant Classification Scheme 2023. Collection method: clinical testing. Allele origin: germline.

Labcorp Genetics (formerly Invitae), Labcorp
Classification: Uncertain significance for Lafora disease. Last evaluated: 2022-02-05. Review status: criteria provided, single submitter. Criteria: Invitae Variant Classification Sherloc (09022015). Collection method: clinical testing. Allele origin: germline.
Comment: In summary, the available evidence is currently insufficient to determine the role of this variant in disease. Therefore, it has been classified as a Variant of Uncertain Significance. Algorithms developed to predict the effect of missense changes on protein structure and function are either unavailable or do not agree on the potential impact of this missense change (SIFT: "Deleterious"; PolyPhen-2: "Benign"; Align-GVGD: "Class C0"). ClinVar contains an entry for this variant (Variation ID: 585850). This variant has not been reported in the literature in individuals affected with NHLRC1-related conditions. This variant is present in population databases (no rsID available, gnomAD 0.001%). This sequence change replaces arginine, which is basic and polar, with glutamine, which is neutral and polar, at codon 73 of the NHLRC1 protein (p.Arg73Gln).

Athena Diagnostics
Classification: Uncertain significance. Last evaluated: 2018-04-13. Review status: criteria provided, single submitter. Criteria: Athena Diagnostics Criteria. Collection method: clinical testing. Allele origin: germline.